The following is an entry in ClinVar:

ClinVar aggregate classification (germline): Conflicting classifications of pathogenicity. Review status: criteria provided, conflicting classifications (1 of 4 stars). 2 submissions from 2 submitters: Uncertain significance (1); Likely benign (1). Last evaluated 2024-08-27.

Submissions (2):

Quest Diagnostics Nichols Institute San Juan Capistrano
Classification: Uncertain significance. Last evaluated: 2024-08-27. Review status: criteria provided, single submitter. Criteria: Quest Diagnostics criteria. Collection method: clinical testing. Allele origin: unknown.
Comment: The HBB c.92+8T>C variant has not been reported in individuals with HBB-related conditions in the published literature. It also has not been reported in large, multi-ethnic general populations (Genome Aggregation Database). Analysis of this variant using software algorithms for the prediction of the effect of nucleotide changes on splicing yielded predictions that this variant does not affect HBB mRNA splicing. Based on the available information, we are unable to determine the clinical significance of this variant.

Labcorp Genetics (formerly Invitae), Labcorp
Classification: Likely benign. Last evaluated: 2022-09-28. Review status: criteria provided, single submitter. Criteria: Invitae Variant Classification Sherloc (09022015). Collection method: clinical testing. Allele origin: germline.

NM_000518.5(HBB):c.92+8T>C

Genes: HBB (hemoglobin subunit beta; minus strand), LOC106099062 (HBB recombination region; plus strand), LOC107133510 (origin of replication at HBB; plus strand). Cytogenetic location: 11p15.4.
Variant type: single nucleotide variant.
Coding change: c.92+8T>C on transcript NM_000518.5 (MANE Select); 8 bases into the intron after coding-DNA position 92, T replaced by C.
Molecular consequence: intron variant.
Genome position (GRCh38, 1-based): chr11:5,226,922, A>G on the plus strand (T>C on the coding strand, the complement: HBB is on the minus strand). VCF-style: chr11-5226922-A-G. GRCh37 (hg19) VCF-style: chr11-5248152-A-G.
Other names: c.92+8T>C (NM_000518.4).
Identifiers: ClinVar variation 1543243 (VCV001543243.9), dbSNP rs374373297, ClinGen allele CA217114994.
Genomic context (GRCh38, chr11:5,226,922, plus strand): 5'-CTTCTCTGTCTCCACATGCCCAGTTTCTATTGGTCTCCTTAAACCTGTCTTGTAACCTTG[A>G]TACCAACCTGCCCAGGGCCTCACCACCAACTTCATCCACGTTCACCTTGCCCCACAGGGC-3'